The following is an entry in ClinVar:

NM_015600.5(ABHD12):c.1196T>C (p.Met399Thr)

Genes: ABHD12 (abhydrolase domain containing 12, lysophospholipase; minus strand), PYGB (glycogen phosphorylase B; plus strand). Cytogenetic location: 20p11.21.
Variant type: single nucleotide variant.
Coding change: c.1196T>C on transcript NM_015600.5; coding-DNA position 1196, T replaced by C.
Protein change: p.Met399Thr; replaces methionine 399 with threonine.
Molecular consequence: missense variant. On other transcripts: intron variant (1).
Genome position (GRCh38, 1-based): chr20:25,294,992, A>G on the plus strand (T>C on the coding strand, the complement: ABHD12 is on the minus strand). VCF-style: chr20-25294992-A-G. GRCh37 (hg19) VCF-style: chr20-25275628-A-G.
Other names: c.2313-612A>G (NM_002862.4); short protein forms M399T.
Identifiers: ClinVar variation 2498882 (VCV002498882.25), dbSNP rs755577947, ClinGen allele CA408452346.

ClinVar aggregate classification (germline): Uncertain significance (1 of 4 stars; one submission).

Submission:

CeGaT Center for Human Genetics Tuebingen
Classification: Uncertain significance. Last evaluated: 2023-02-01. Review status: criteria provided, single submitter. Criteria: CeGaT Center For Human Genetics Tuebingen Variant Classification Criteria Version 2. Collection method: clinical testing. Allele origin: germline. Affected: yes. Observed: 1 variant allele.
Comment: ABHD12: PM2, BP4